The following is an entry in ClinVar:

ClinVar aggregate classification (germline): Uncertain significance (1 of 4 stars; one submission).

Conditions:
Cardiovascular phenotype. Identifiers: MedGen CN230736.

Submission:

Ambry Genetics
Classification: Uncertain significance for Cardiovascular phenotype. Last evaluated: 2025-05-20. Review status: criteria provided, single submitter. Criteria: Ambry Variant Classification Scheme 2023. Collection method: clinical testing. Allele origin: germline.
Comment: The c.19149_19151delTAT variant (also known as p.I6384del) is located in coding exon 76 of the TTN gene. This variant results from an in-frame TAT deletion at nucleotide positions 19149 to 19151. This results in the in-frame deletion of an isoleucine at codon 6384. This amino acid position is highly conserved in available vertebrate species. In addition, this variant is predicted to be deleterious by in silico analysis (Choi Y et al. PLoS ONE. 2012; 7(10):e46688). Based on the available evidence, the clinical significance of this variant remains unclear.

NM_001267550.2(TTN):c.46344_46346del (p.Ile15449del)

Genes: TTN (titin; minus strand), TTN-AS1 (TTN antisense RNA 1; plus strand). Cytogenetic location: 2q31.2.
Variant type: Deletion.
Coding change: c.46344_46346del on transcript NM_001267550.2 (MANE Select); coding-DNA positions 46344 to 46346, 3 bases deleted (TAT; older notation c.46344_46346delTAT).
Protein change: p.Ile15449del; deletes isoleucine 15449.
Molecular consequence: non-coding transcript variant (on NR_038271.1).
Genome position (GRCh38, 1-based): chr2:178,620,071-178,620,073, ATA deleted on the plus strand (TAT on the coding strand, the reverse complement: TTN is on the minus strand); deleting any 3 consecutive bases within chr2:178,620,071-178,620,075 gives the same sequence; the c. name uses the placement nearest the transcript's 3' end. VCF-style (leftmost placement, unchanged base first): chr2-178620070-TATA-T. GRCh37 (hg19) VCF-style: chr2-179484797-TATA-T.
Other names: c.41421_41423del, p.Ile13808del (NM_001256850.1); c.19149_19151del, p.Ile6384del (NM_003319.4); c.38640_38642del, p.Ile12881del (NM_133378.4); c.19524_19526del, p.Ile6509del (NM_133432.3); c.19725_19727del, p.Ile6576del (NM_133437.4); c.19149_19151delTAT (NM_003319.4); short protein forms I12881del, I6509del, I13808del, I15449del, I6384del, I6576del.
Identifiers: ClinVar variation 3975820 (VCV003975820.1).